The following is an entry in ClinVar:

NM_006516.4(SLC2A1):c.308C>T (p.Ala103Val)

Gene: SLC2A1 (solute carrier family 2 member 1; minus strand). Cytogenetic location: 1p34.2.
Variant type: single nucleotide variant.
Coding change: c.308C>T on transcript NM_006516.4 (MANE Select); coding-DNA position 308, C replaced by T.
Protein change: p.Ala103Val; replaces alanine 103 with valine.
Molecular consequence: missense variant.
Genome position (GRCh38, 1-based): chr1:42,930,834, G>A on the plus strand (C>T on the coding strand, the complement: SLC2A1 is on the minus strand). VCF-style: chr1-42930834-G-A. GRCh37 (hg19) VCF-style: chr1-43396505-G-A.
Other names: short protein forms A103V.
Identifiers: ClinVar variation 1926970 (VCV001926970.5), dbSNP rs1175342430, ClinGen allele CA339961311.

ClinVar aggregate classification (germline): Uncertain significance (1 of 4 stars; one submission).

Conditions:
GLUT1 deficiency syndrome 1, autosomal recessive. Identifiers: MedGen C3149117.

Submission:

Labcorp Genetics (formerly Invitae), Labcorp
Classification: Uncertain significance for GLUT1 deficiency syndrome 1, autosomal recessive. Last evaluated: 2021-12-08. Review status: criteria provided, single submitter. Criteria: Invitae Variant Classification Sherloc (09022015). Collection method: clinical testing. Allele origin: germline.
Comment: This sequence change replaces alanine, which is neutral and non-polar, with valine, which is neutral and non-polar, at codon 103 of the SLC2A1 protein (p.Ala103Val). This variant is not present in population databases (gnomAD no frequency). This variant has not been reported in the literature in individuals affected with SLC2A1-related conditions. Advanced modeling of protein sequence and biophysical properties (such as structural, functional, and spatial information, amino acid conservation, physicochemical variation, residue mobility, and thermodynamic stability) performed at Invitae indicates that this missense variant is not expected to disrupt SLC2A1 protein function. In summary, the available evidence is currently insufficient to determine the role of this variant in disease. Therefore, it has been classified as a Variant of Uncertain Significance.